The following is an entry in ClinVar:

ClinVar aggregate classification (germline): Uncertain significance (1 of 4 stars; one submission).

Conditions:
Congenital sideroblastic anemia-B-cell immunodeficiency-periodic fever-developmental delay syndrome. Also called: Sideroblastic anemia with B-cell immunodeficiency, periodic fevers, and developmental delay. Identifiers: Orphanet 369861, MedGen C4015172, MONDO:0014487, OMIM 616084.

Allele frequency attached by ClinVar (database versions not stated): ExAC 0.00001.

Submission:

Labcorp Genetics (formerly Invitae), Labcorp
Classification: Uncertain significance for Congenital sideroblastic anemia-B-cell immunodeficiency-periodic fever-developmental delay syndrome. Last evaluated: 2022-08-10. Review status: criteria provided, single submitter. Criteria: Invitae Variant Classification Sherloc (09022015). Collection method: clinical testing. Allele origin: germline.
Comment: Algorithms developed to predict the effect of missense changes on protein structure and function output the following: SIFT: "Tolerated"; PolyPhen-2: "Benign"; Align-GVGD: "Class C0". The glutamic acid amino acid residue is found in multiple mammalian species, which suggests that this missense change does not adversely affect protein function. In summary, the available evidence is currently insufficient to determine the role of this variant in disease. Therefore, it has been classified as a Variant of Uncertain Significance. This variant has not been reported in the literature in individuals affected with TRNT1-related conditions. This variant is present in population databases (rs753167717, gnomAD 0.01%). This sequence change replaces glutamine, which is neutral and polar, with glutamic acid, which is acidic and polar, at codon 379 of the TRNT1 protein (p.Gln379Glu).

NM_182916.3(TRNT1):c.1135C>G (p.Gln379Glu)

Gene: TRNT1 (tRNA nucleotidyl transferase 1; plus strand). Cytogenetic location: 3p26.2.
Variant type: single nucleotide variant.
Coding change: c.1135C>G on transcript NM_182916.3 (MANE Select); coding-DNA position 1135, C replaced by G.
Protein change: p.Gln379Glu; replaces glutamine 379 with glutamic acid.
Molecular consequence: missense variant. On other transcripts: non-coding transcript variant (8).
Genome position (GRCh38, 1-based): chr3:3,147,984, C>G. VCF-style: chr3-3147984-C-G. GRCh37 (hg19) VCF-style: chr3-3189668-C-G.
Other names: c.1075C>G, p.Gln359Glu (NM_001302946.2); c.1135C>G, p.Gln379Glu (NM_001367321.1, NM_001367322.1, NM_001367323.1); short protein forms Q359E, Q379E.
Identifiers: ClinVar variation 2063087 (VCV002063087.4), dbSNP rs753167717, ClinGen allele CA2228902.